The following is an entry in ClinVar:

NM_005633.4(SOS1):c.3731A>T (p.His1244Leu)

Gene: SOS1 (SOS Ras/Rac guanine nucleotide exchange factor 1; minus strand). Cytogenetic location: 2p22.1.
Variant type: single nucleotide variant.
Coding change: c.3731A>T on transcript NM_005633.4 (MANE Select); coding-DNA position 3731, A replaced by T.
Protein change: p.His1244Leu; replaces histidine 1244 with leucine.
Molecular consequence: missense variant.
Genome position (GRCh38, 1-based): chr2:38,986,095, T>A on the plus strand (A>T on the coding strand, the complement: SOS1 is on the minus strand). VCF-style: chr2-38986095-T-A. GRCh37 (hg19) VCF-style: chr2-39213236-T-A.
Other names: c.3710A>T, p.His1237Leu (NM_001382394.1); c.3686A>T, p.His1229Leu (NM_001382395.1); short protein forms H1229L, H1237L, H1244L.
Identifiers: ClinVar variation 1734398 (VCV001734398.4), dbSNP rs761850358, ClinGen allele CA1624120.

ClinVar aggregate classification (germline): Conflicting classifications of pathogenicity. Review status: criteria provided, conflicting classifications (1 of 4 stars). 2 submissions from 2 submitters: Uncertain significance (1); Likely benign (1). Last evaluated 2025-10-27.

Conditions:
Cardiovascular phenotype. Identifiers: MedGen CN230736.
RASopathy. Also called: rasopathies; Noonan spectrum disorder. Identifiers: Orphanet 536391, MedGen C5555857, MONDO:0021060.

Allele frequency attached by ClinVar (database versions not stated): gnomAD 0.00001; gnomAD exomes 0.00001; TOPMed below 0.00001; ExAC 0.00001.
gnomAD v4.1: 12 of 1,613,720 alleles (0.00074%); highest among the groups gnomAD compares: Non-Finnish European, 0.00068%; no homozygotes.

Submissions (2):

Labcorp Genetics (formerly Invitae), Labcorp
Classification: Likely benign for RASopathy. Last evaluated: 2025-10-27. Review status: criteria provided, single submitter. Criteria: Invitae Variant Classification Sherloc (09022015). Collection method: clinical testing. Allele origin: germline.

Ambry Genetics
Classification: Uncertain significance for Cardiovascular phenotype. Last evaluated: 2021-03-01. Review status: criteria provided, single submitter. Criteria: Ambry Variant Classification Scheme 2023. Collection method: clinical testing. Allele origin: germline.
Comment: The p.H1244L variant (also known as c.3731A>T), located in coding exon 23 of the SOS1 gene, results from an A to T substitution at nucleotide position 3731. The histidine at codon 1244 is replaced by leucine, an amino acid with similar properties. This amino acid position is well conserved in available vertebrate species; however, leucine is the reference amino acid in other vertebrate species. In addition, this alteration is predicted to be tolerated by in silico analysis. Since supporting evidence is limited at this time, the clinical significance of this alteration remains unclear.